The following is an entry in ClinVar:

NM_024301.5(FKRP):c.-52_-50del

Gene: FKRP (fukutin related protein; plus strand). Cytogenetic location: 19q13.32.
Variant type: Deletion.
Coding change: c.-52_-50del on transcript NM_024301.5 (MANE Select); 52 bases upstream of the start codon through 50 bases upstream of the start codon, 3 bases deleted (TAC; older notation c.-52_-50delTAC).
Molecular consequence: 5 prime UTR variant.
Genome position (GRCh38, 1-based): chr19:46,748,653-46,748,655, TAC deleted; deleting any 3 consecutive bases within chr19:46,748,651-46,748,655 gives the same sequence; the c. name uses the placement nearest the transcript's 3' end. VCF-style (leftmost placement, unchanged base first): chr19-46748650-GACT-G. GRCh37 (hg19) VCF-style: chr19-47251907-GACT-G.
Other names: c.-104_-102del (NM_001039885.3).
Identifiers: ClinVar variation 420328 (VCV000420328.1), dbSNP rs36215246, ClinGen allele CA16620865.

ClinVar aggregate classification (germline): Likely benign (1 of 4 stars; one submission).

Submission:

GeneDx
Classification: Likely benign. Last evaluated: 2018-01-02. Review status: criteria provided, single submitter. Criteria: GeneDx Variant Classification (06012015). Collection method: clinical testing. Allele origin: germline. Affected: yes.
Comment: This variant is considered likely benign or benign based on one or more of the following criteria: it is a conservative change, it occurs at a poorly conserved position in the protein, it is predicted to be benign by multiple in silico algorithms, and/or has population frequency not consistent with disease.